The following is an entry in ClinVar:

ClinVar aggregate classification (germline): Uncertain significance (1 of 4 stars; one submission).

Allele frequency attached by ClinVar (database versions not stated): gnomAD exomes below 0.00001; ExAC 0.00001; gnomAD 0.00002; TOPMed 0.00004.
gnomAD v4.1: 12 of 1,613,314 alleles (0.00074%); highest among the groups gnomAD compares: African/African-American, 0.004%; no homozygotes.

Submission:

Labcorp Genetics (formerly Invitae), Labcorp
Classification: Uncertain significance. Last evaluated: 2024-11-25. Review status: criteria provided, single submitter. Criteria: Invitae Variant Classification Sherloc (09022015). Collection method: clinical testing. Allele origin: germline.
Comment: This sequence change replaces glycine, which is neutral and non-polar, with serine, which is neutral and polar, at codon 482 of the NEDD4L protein (p.Gly482Ser). This variant is present in population databases (rs763660568, gnomAD 0.004%). This variant has not been reported in the literature in individuals affected with NEDD4L-related conditions. ClinVar contains an entry for this variant (Variation ID: 1353735). Invitae Evidence Modeling of protein sequence and biophysical properties (such as structural, functional, and spatial information, amino acid conservation, physicochemical variation, residue mobility, and thermodynamic stability) indicates that this missense variant is not expected to disrupt NEDD4L protein function with a negative predictive value of 80%. In summary, the available evidence is currently insufficient to determine the role of this variant in disease. Therefore, it has been classified as a Variant of Uncertain Significance.

NM_001144967.3(NEDD4L):c.1504G>A (p.Gly502Ser)

Gene: NEDD4L (NEDD4 like E3 ubiquitin protein ligase; plus strand). Cytogenetic location: 18q21.31.
Variant type: single nucleotide variant.
Coding change: c.1504G>A on transcript NM_001144967.3 (MANE Select); coding-DNA position 1504, G replaced by A.
Protein change: p.Gly502Ser; replaces glycine 502 with serine.
Molecular consequence: missense variant.
Genome position (GRCh38, 1-based): chr18:58,343,032, G>A. VCF-style: chr18-58343032-G-A. GRCh37 (hg19) VCF-style: chr18-56010264-G-A.
Other names: c.1081G>A, p.Gly361Ser (NM_001144971.2, NM_001144970.3); c.1312G>A, p.Gly438Ser (NM_001243960.2); c.1444G>A, p.Gly482Ser (NM_015277.6); c.1141G>A, p.Gly381Ser (NM_001144964.1, NM_001144965.2, NM_001144966.3); c.1480G>A, p.Gly494Ser (NM_001144968.2); c.1420G>A, p.Gly474Ser (NM_001144969.2); short protein forms G494S, G438S, G474S, G482S, G502S, G361S, G381S.
Identifiers: ClinVar variation 1353735 (VCV001353735.8), dbSNP rs763660568, ClinGen allele CA8975705.